The following is an entry in ClinVar:

ClinVar aggregate classification (germline): Uncertain significance. Review status: criteria provided, multiple submitters, no conflicts (2 of 4 stars). 2 submissions from 2 submitters: Uncertain significance (2). Last evaluated 2026-01-28.

Conditions:
Retinitis pigmentosa 59 (RP59). Identifiers: Orphanet 791, MedGen C3151227, MONDO:0013468, OMIM 613861.

Allele frequency attached by ClinVar (database versions not stated): ExAC 0.00002; TOPMed 0.00002; gnomAD 0.00003; gnomAD exomes 0.00003 and 0.00004.
gnomAD v4.1: 62 of 1,613,862 alleles (0.0038%); highest among the groups gnomAD compares: African/African-American, 0.0053%; no homozygotes.

Submissions (2):

Labcorp Genetics (formerly Invitae), Labcorp
Classification: Uncertain significance for Retinitis pigmentosa 59. Last evaluated: 2026-01-28. Review status: criteria provided, single submitter. Criteria: Invitae Variant Classification Sherloc (09022015). Collection method: clinical testing. Allele origin: germline.
Comment: This sequence change replaces isoleucine, which is neutral and non-polar, with threonine, which is neutral and polar, at codon 135 of the DHDDS protein (p.Ile135Thr). This variant is present in population databases (rs200277808, gnomAD 0.006%). This variant has not been reported in the literature in individuals affected with DHDDS-related conditions. ClinVar contains an entry for this variant (Variation ID: 1482006). Invitae Evidence Modeling of protein sequence and biophysical properties (such as structural, functional, and spatial information, amino acid conservation, physicochemical variation, residue mobility, and thermodynamic stability) indicates that this missense variant is not expected to disrupt DHDDS protein function with a negative predictive value of 80%. In summary, the available evidence is currently insufficient to determine the role of this variant in disease. Therefore, it has been classified as a Variant of Uncertain Significance.

Blueprint Genetics
Classification: Uncertain significance. Last evaluated: 2023-05-04. Review status: criteria provided, single submitter. Criteria: ACMG Guidelines, 2015. Collection method: clinical testing. Allele origin: germline.

NM_205861.3(DHDDS):c.404T>C (p.Ile135Thr)

Gene: DHDDS (dehydrodolichyl diphosphate synthase subunit; plus strand). Cytogenetic location: 1p36.11.
Variant type: single nucleotide variant.
Coding change: c.404T>C on transcript NM_205861.3 (MANE Select); coding-DNA position 404, T replaced by C.
Protein change: p.Ile135Thr; replaces isoleucine 135 with threonine.
Molecular consequence: missense variant. On other transcripts: intron variant (1).
Genome position (GRCh38, 1-based): chr1:26,446,396, T>C. VCF-style: chr1-26446396-T-C. GRCh37 (hg19) VCF-style: chr1-26772887-T-C.
Other names: c.404T>C, p.Ile135Thr (NM_001243564.2, NM_024887.4); c.125T>C, p.Ile42Thr (NM_001319959.2); c.324-1163T>C (NM_001243565.2); short protein forms I42T, I135T.
Identifiers: ClinVar variation 1482006 (VCV001482006.8), dbSNP rs200277808, ClinGen allele CA705325.